The following is an entry in ClinVar:

NM_000465.4(BARD1):c.2189A>G (p.Gln730Arg)

Gene: BARD1 (BRCA1 associated RING domain 1; minus strand). Cytogenetic location: 2q35.
Variant type: single nucleotide variant.
Coding change: c.2189A>G on transcript NM_000465.4 (MANE Select); coding-DNA position 2189, A replaced by G.
Protein change: p.Gln730Arg; replaces glutamine 730 with arginine.
Molecular consequence: missense variant. On other transcripts: non-coding transcript variant (3).
Genome position (GRCh38, 1-based): chr2:214,728,821, T>C on the plus strand (A>G on the coding strand, the complement: BARD1 is on the minus strand). VCF-style: chr2-214728821-T-C. GRCh37 (hg19) VCF-style: chr2-215593545-T-C.
Other names: c.2132A>G, p.Gln711Arg (NM_001282543.2); c.836A>G, p.Gln279Arg (NM_001282545.2); c.779A>G, p.Gln260Arg (NM_001282548.2); c.650A>G, p.Gln217Arg (NM_001282549.2); short protein forms Q217R, Q711R, Q279R, Q730R, Q260R.
Identifiers: ClinVar variation 3260426 (VCV003260426.1).
Genomic context (GRCh38, chr2:214,728,821, plus strand): 5'-ACCCTCTCTGGGTGATAATTACACAAATCTTCATAGATGATATACTGTGTGCAGAAGCGC[T>C]GATCAGAATCGGGTCTCGCATGGTATGCGACTGTATTGATGGTCTGAGTCACGTCACTGT-3'
Protein context (NP_000456.2, residues 720-740): VAYHARPDSD[Gln730Arg]RFCTQYIIYE

ClinVar aggregate classification (germline): Uncertain significance (1 of 4 stars; one submission).

Conditions:
Hereditary cancer-predisposing syndrome. Also called: Hereditary Cancer Syndrome; Tumor predisposition; Hereditary neoplastic syndrome; Neoplastic Syndromes, Hereditary. Identifiers: Orphanet 140162, MedGen C0027672, MeSH D009386, MONDO:0015356.

Submission:

Ambry Genetics
Classification: Uncertain significance for Hereditary cancer-predisposing syndrome. Last evaluated: 2024-04-05. Review status: criteria provided, single submitter. Criteria: Ambry Variant Classification Scheme 2023. Collection method: clinical testing. Allele origin: germline.
Comment: The p.Q730R variant (also known as c.2189A>G), located in coding exon 11 of the BARD1 gene, results from an A to G substitution at nucleotide position 2189. The glutamine at codon 730 is replaced by arginine, an amino acid with highly similar properties. This amino acid position is highly conserved in available vertebrate species. In addition, this alteration is predicted to be deleterious by in silico analysis. Based on the available evidence, the clinical significance of this variant remains unclear.